The following is an entry in ClinVar:

ClinVar aggregate classification (germline): Uncertain significance (1 of 4 stars; one submission).

Submission:

Labcorp Genetics (formerly Invitae), Labcorp
Classification: Uncertain significance. Last evaluated: 2022-03-14. Review status: criteria provided, single submitter. Criteria: Invitae Variant Classification Sherloc (09022015). Collection method: clinical testing. Allele origin: germline.
Comment: This variant is not present in population databases (gnomAD no frequency). This sequence change replaces tyrosine, which is neutral and polar, with serine, which is neutral and polar, at codon 351 of the WFS1 protein (p.Tyr351Ser). In summary, the available evidence is currently insufficient to determine the role of this variant in disease. Therefore, it has been classified as a Variant of Uncertain Significance. This variant has not been reported in the literature in individuals affected with WFS1-related conditions. Algorithms developed to predict the effect of missense changes on protein structure and function are either unavailable or do not agree on the potential impact of this missense change (SIFT: "Deleterious"; PolyPhen-2: "Probably Damaging"; Align-GVGD: "Class C0").

NM_006005.3(WFS1):c.1052A>C (p.Tyr351Ser)

Gene: WFS1 (wolframin ER transmembrane glycoprotein; plus strand). Cytogenetic location: 4p16.1.
Variant type: single nucleotide variant.
Coding change: c.1052A>C on transcript NM_006005.3 (MANE Select); coding-DNA position 1052, A replaced by C.
Protein change: p.Tyr351Ser; replaces tyrosine 351 with serine.
Molecular consequence: missense variant.
Genome position (GRCh38, 1-based): chr4:6,300,847, A>C. VCF-style: chr4-6300847-A-C. GRCh37 (hg19) VCF-style: chr4-6302574-A-C.
Other names: c.1052A>C, p.Tyr351Ser (NM_001145853.1); short protein forms Y351S.
Identifiers: ClinVar variation 2110305 (VCV002110305.4), dbSNP rs181988441, ClinGen allele CA356174154.
Genomic context (GRCh38, chr4:6,300,847, plus strand): 5'-TCATCGTCAGCAACCTCACCATCGACTTCTTCGCCTTCTTCATCCCGCTGGTCATCTTCT[A>C]CCTGTCCTTCATCTCCATGGTGATCTGCACCCTCAAGGTGTTCCAGGACAGCAAGGCCTG-3'
Protein context (NP_005996.2, residues 341-361): FAFFIPLVIF[Tyr351Ser]LSFISMVICT